The following is an entry in ClinVar:

NM_000169.3(GLA):c.205T>C (p.Phe69Leu)

Genes: GLA (galactosidase alpha; minus strand), RPL36A-HNRNPH2 (RPL36A-HNRNPH2 readthrough; plus strand). Cytogenetic location: Xq22.1.
Variant type: single nucleotide variant.
Coding change: c.205T>C on transcript NM_000169.3 (MANE Select); coding-DNA position 205, T replaced by C.
Protein change: p.Phe69Leu; replaces phenylalanine 69 with leucine.
Molecular consequence: missense variant. On other transcripts: non-coding transcript variant (3), intron variant (2).
Genome position (GRCh38, 1-based): chrX:101,403,975, A>G on the plus strand (T>C on the coding strand, the complement: GLA is on the minus strand). VCF-style: chrX-101403975-A-G. GRCh37 (hg19) VCF-style: chrX-100658963-A-G.
Other names: c.328T>C, p.Phe110Leu (NM_001406747.1, NM_001406749.1); c.205T>C, p.Phe69Leu (NM_001406748.1); c.301-7961A>G (NM_001199973.2); c.178-7961A>G (NM_001199974.2); short protein forms F110L, F69L.
Identifiers: ClinVar variation 4087300 (VCV004087300.2).
Genomic context (GRCh38, chrX:101,403,975, plus strand): 5'-GGTACTCATAACCTGCATCCTTCCAGCCTTCTGAGACCATGAGCTCTGCCATCTCCATGA[A>G]GAGCTTCTCACTGAAAGAGAAATTCCAATAATCATTACAATTCATTAAATGAACACTTAG-3'
Protein context (NP_000160.1, residues 59-79): EPDSCISEKL[Phe69Leu]MEMAELMVSE

ClinVar aggregate classification (germline): Uncertain significance (1 of 4 stars; one submission).

Conditions:
Fabry disease. Also called: ALPHA-GALACTOSIDASE A DEFICIENCY; ANDERSON-FABRY DISEASE; CERAMIDE TRIHEXOSIDASE DEFICIENCY; GLA DEFICIENCY; HEREDITARY DYSTOPIC LIPIDOSIS; Angiokeratoma corporis diffusum. Identifiers: Orphanet 324, MedGen C0002986, MONDO:0010526, OMIM 301500, HP:0001071. Disease mechanism: Fabry disease is due to inactivating mutations in the X-linked GLA gene resulting in deficiency of the enzyme Alpha Galactosidase-A., loss of function.

Submission:

Genomenon, Inc
Classification: Uncertain significance for Fabry disease. Last evaluated: 2026-09-08. Review status: criteria provided, single submitter. Criteria: Genomenon Sequence Variant Interpretation Standards - Updated. Collection method: curation. Allele origin: germline. Affected: yes.
Comment: GLA p.Phe69Leu (c.205T>C) is a missense variant that changes the amino acid at codon 69 from Phenylalanine to Leucine. This variant has been observed in at least one proband with clinical features consistent with Fabry disease (PMID:32843101). Functional or patient cell studies have been reported (PMID:32843101;33016649). It is absent or not present at a significant frequency in gnomAD. In silico models predict that this variant is possibly or probably damaging. In conclusion, we classify GLA p.Phe69Leu (c.205T>C) as a variant of uncertain significance.

Literature cited by the submitters: PubMed 32843101; PubMed 33016649.